The following is an entry in ClinVar:

NM_017671.5(FERMT1):c.978G>A (p.Ser326=)

Gene: FERMT1 (FERM domain containing kindlin 1; minus strand). Cytogenetic location: 20p12.3.
Variant type: single nucleotide variant.
Coding change: c.978G>A on transcript NM_017671.5 (MANE Select); coding-DNA position 978, G replaced by A.
Protein change: p.Ser326=; no amino-acid change (serine 326 retained).
Molecular consequence: synonymous variant.
Genome position (GRCh38, 1-based): chr20:6,097,013, C>T on the plus strand (G>A on the coding strand, the complement: FERMT1 is on the minus strand). VCF-style: chr20-6097013-C-T. GRCh37 (hg19) VCF-style: chr20-6077660-C-T.
Identifiers: ClinVar variation 898988 (VCV000898988.13), dbSNP rs201694674, ClinGen allele CA9758281.
Genomic context (GRCh38, chr20:6,097,013, plus strand): 5'-CGCCGCTTCTATTTCATCAACCTCGGACTCGCCTGCAAAATCCTGTGTTTCAGCAGACAA[C>T]GACAGTTTGCTAATGTGGTACTAAAATGAAAACAGACGTTTTAGAAATGTTATAAACAGA-3'
Protein context (NP_060141.3, residues 316-336): AALQYHISKL[Ser326=]LSAETQDFAG

ClinVar aggregate classification (germline): Conflicting classifications of pathogenicity. Review status: criteria provided, conflicting classifications (1 of 4 stars). 3 submissions from 3 submitters: Uncertain significance (1); Likely benign (1). 1 of the submissions does not count toward it. Last evaluated 2025-09-08.

Conditions:
FERMT1-related disorder. Also called: FERMT1-related condition.
Kindler syndrome (KNDLRS). Also called: Poikiloderma of Kindler; Congenital bullous poikiloderma; BULLOUS ACROKERATOTIC POIKILODERMA OF KINDLER AND WEARY; POIKILODERMA, CONGENITAL, WITH BULLAE, WEARY TYPE; POIKILODERMA, HEREDITARY ACROKERATOTIC; Hereditary acrokeratotic poikiloderma of Weary. Identifiers: Orphanet 2908, Orphanet 306539, MedGen C0406557, MONDO:0008260, OMIM 173650.

Allele frequency attached by ClinVar (database versions not stated): ExAC 0.00002; gnomAD exomes 0.00004 and 0.00005; TOPMed 0.00010; gnomAD 0.00011 and 0.00013.
gnomAD v4.1: 78 of 1,613,714 alleles (0.0048%); highest among the groups gnomAD compares: Middle Eastern, 0.066%; 1 homozygote.

Submissions (3):

Labcorp Genetics (formerly Invitae), Labcorp
Classification: Likely benign. Last evaluated: 2025-09-08. Review status: criteria provided, single submitter. Criteria: Invitae Variant Classification Sherloc (09022015). Collection method: clinical testing. Allele origin: germline.

Illumina Laboratory Services, Illumina
Classification: Uncertain significance for Kindler syndrome. Last evaluated: 2017-04-28. Review status: criteria provided, single submitter. Criteria: ICSL Variant Classification Criteria 13 December 2019. Collection method: clinical testing. Allele origin: germline.

PreventionGenetics, part of Exact Sciences
Classification: Likely benign for FERMT1-related condition. Last evaluated: 2019-12-11. Review status: no assertion criteria provided. Collection method: clinical testing. Allele origin: germline. Not counted in ClinVar's aggregate classification.
Comment: This variant is classified as likely benign based on ACMG/AMP sequence variant interpretation guidelines (Richards et al. 2015 PMID: 25741868, with internal and published modifications).